The following is an entry in ClinVar:

ClinVar aggregate classification (germline): Likely pathogenic (1 of 4 stars; one submission).

Conditions:
PROS1-related disorder. Also called: PROS1-related condition.

Submission:

PreventionGenetics, part of Exact Sciences
Classification: Likely pathogenic for PROS1-related condition. Last evaluated: 2024-10-25. Review status: criteria provided, single submitter. Criteria: ACMG Guidelines, 2015. Collection method: clinical testing. Allele origin: germline.
Comment: The PROS1 c.763dupC variant is predicted to result in a frameshift and premature protein termination (p.Leu255Profs*14). To our knowledge, this variant has not been reported in the literature or in a large population database (gnomAD), indicating this variant is rare. Frameshift variants in PROS1 are expected to be pathogenic. This variant is interpreted as likely pathogenic.

NM_000313.4(PROS1):c.763dup (p.Leu255fs)

Gene: PROS1 (protein S; minus strand). Cytogenetic location: 3q11.1.
Variant type: Duplication.
Coding change: c.763dup on transcript NM_000313.4 (MANE Select); coding-DNA position 763, one base duplicated (C; older notation c.763dupC).
Protein change: p.Leu255fs; shifts the reading frame from leucine 255.
Molecular consequence: frameshift variant.
Genome position (GRCh38, 1-based): chr3:93,898,534, G duplicated on the plus strand (C on the coding strand, the reverse complement: PROS1 is on the minus strand). VCF-style (leftmost placement, unchanged base first): chr3-93898533-A-AG. GRCh37 (hg19) VCF-style: chr3-93617377-A-AG.
Other names: c.859dup, p.Leu287fs (NM_001314077.2); c.763dupC (NM_000313.3); short protein forms L255fs, L287fs.
Identifiers: ClinVar variation 4999498 (VCV004999498.1).